The following is an entry in ClinVar:

NM_024426.6(WT1):c.194G>A (p.Gly65Glu)

Genes: WT1 (WT1 transcription factor; minus strand), LOC107982234 (WT1/WT1-AS bi-directional promoter region; plus strand). Cytogenetic location: 11p13.
Variant type: single nucleotide variant.
Coding change: c.194G>A on transcript NM_024426.6 (MANE Select); coding-DNA position 194, G replaced by A.
Protein change: p.Gly65Glu; replaces glycine 65 with glutamic acid.
Molecular consequence: missense variant. On other transcripts: non-coding transcript variant (1).
Genome position (GRCh38, 1-based): chr11:32,435,167, C>T on the plus strand (G>A on the coding strand, the complement: WT1 is on the minus strand). VCF-style: chr11-32435167-C-T. GRCh37 (hg19) VCF-style: chr11-32456713-C-T.
Other names: c.194G>A, p.Gly65Glu (NM_000378.6, NM_024424.5); short protein forms G65E.
Identifiers: ClinVar variation 1027021 (VCV001027021.9), dbSNP rs1853470727, ClinGen allele CA379966188.

ClinVar aggregate classification (germline): Uncertain significance (1 of 4 stars; one submission).

Conditions:
Frasier syndrome. Identifiers: Orphanet 347, MedGen C0950122, MeSH D052159, MONDO:0007635, OMIM 136680.
Drash syndrome (DDS). Also called: NEPHROPATHY, WILMS TUMOR, AND GENITAL ANOMALIES; WILMS TUMOR AND PSEUDO- OR TRUE HERMAPHRODITISM. Identifiers: Orphanet 220, MedGen C0950121, MONDO:0008682, OMIM 194080.
Wilms tumor 1 (WT1). Also called: Wilms tumor, somatic. Identifiers: Orphanet 654, MedGen CN033288, MONDO:0008679, OMIM 194070.
11p partial monosomy syndrome (WAGR). Also called: WAGR syndrome; WAGR Complex; WAGR Spectrum Disorder; CHROMOSOME 11p13 DELETION SYNDROME. Identifiers: Orphanet 893, MedGen C0206115, MONDO:0008681, OMIM 194072.

Allele frequency attached by ClinVar (database versions not stated): gnomAD exomes below 0.00001.
gnomAD v4.1: 2 of 1,521,522 alleles (0.00013%); highest among the groups gnomAD compares: African/African-American, 0.0014%; no homozygotes.

Submission:

Labcorp Genetics (formerly Invitae), Labcorp
Classification: Uncertain significance for Wilms tumor 1; Drash syndrome; 11p partial monosomy syndrome; Frasier syndrome. Last evaluated: 2024-12-02. Review status: criteria provided, single submitter. Criteria: Invitae Variant Classification Sherloc (09022015). Collection method: clinical testing. Allele origin: germline.
Comment: This sequence change replaces glycine, which is neutral and non-polar, with glutamic acid, which is acidic and polar, at codon 60 of the WT1 protein (p.Gly60Glu). This variant is not present in population databases (gnomAD no frequency). This variant has not been reported in the literature in individuals affected with WT1-related conditions. ClinVar contains an entry for this variant (Variation ID: 1027021). An algorithm developed to predict the effect of missense changes on protein structure and function outputs the following: PolyPhen-2: "Benign". The glutamic acid amino acid residue is found in multiple mammalian species, which suggests that this missense change does not adversely affect protein function. In summary, the available evidence is currently insufficient to determine the role of this variant in disease. Therefore, it has been classified as a Variant of Uncertain Significance.